The following is an entry in ClinVar:

ClinVar aggregate classification (germline): Conflicting classifications of pathogenicity. Review status: criteria provided, conflicting classifications (1 of 4 stars). 3 submissions from 3 submitters: Uncertain significance (2); Likely benign (1). Last evaluated 2026-02-03.

Conditions:
POLD1-related polyposis and colorectal cancer syndrome (CRCS10). Also called: Colorectal cancer 10; COLORECTAL CANCER, SUSCEPTIBILITY TO, ON CHROMOSOME 19q; Colorectal cancer, susceptibility to, 10. Identifiers: Orphanet 220460, MedGen C2675481, MONDO:0012953, OMIM 612591.
Hereditary cancer-predisposing syndrome. Also called: Tumor predisposition; Neoplastic Syndromes, Hereditary; Hereditary Cancer Syndrome; Hereditary neoplastic syndrome. Identifiers: Orphanet 140162, MedGen C0027672, MeSH D009386, MONDO:0015356.
Mandibular hypoplasia-deafness-progeroid syndrome. Also called: Mandibular hypoplasia, deafness, progeroid features, and lipodystrophy syndrome. Identifiers: Orphanet 363649, MedGen C3715192, MONDO:0014157, OMIM 615381.

Allele frequency attached by ClinVar (database versions not stated): TOPMed below 0.00001; gnomAD exomes 0.00001 and 0.00002.

Submissions (3):

Labcorp Genetics (formerly Invitae), Labcorp
Classification: Uncertain significance for POLD1-related polyposis and colorectal cancer syndrome. Last evaluated: 2026-02-03. Review status: criteria provided, single submitter. Criteria: Invitae Variant Classification Sherloc (09022015). Collection method: clinical testing. Allele origin: germline.
Comment: This sequence change replaces glutamine, which is neutral and polar, with glutamic acid, which is acidic and polar, at codon 733 of the POLD1 protein (p.Gln733Glu). This variant is present in population databases (no rsID available, gnomAD 0.01%). This variant has not been reported in the literature in individuals affected with POLD1-related conditions. ClinVar contains an entry for this variant (Variation ID: 573996). Invitae Evidence Modeling of protein sequence and biophysical properties (such as structural, functional, and spatial information, amino acid conservation, physicochemical variation, residue mobility, and thermodynamic stability) indicates that this missense variant is not expected to disrupt POLD1 protein function with a negative predictive value of 80%. In summary, the available evidence is currently insufficient to determine the role of this variant in disease. Therefore, it has been classified as a Variant of Uncertain Significance.

Ambry Genetics
Classification: Likely benign for Hereditary cancer-predisposing syndrome. Last evaluated: 2024-12-06. Review status: criteria provided, single submitter. Criteria: Ambry Variant Classification Scheme 2023. Collection method: clinical testing. Allele origin: germline.

Fulgent Genetics
Classification: Uncertain significance for POLD1-related polyposis and colorectal cancer syndrome; Mandibular hypoplasia-deafness-progeroid syndrome. Last evaluated: 2018-10-31. Review status: criteria provided, single submitter. Criteria: ACMG Guidelines, 2015. Collection method: clinical testing. Allele origin: unknown.

NM_002691.4(POLD1):c.2197C>G (p.Gln733Glu)

Gene: POLD1 (DNA polymerase delta 1, catalytic subunit; plus strand). Cytogenetic location: 19q13.33.
Variant type: single nucleotide variant.
Coding change: c.2197C>G on transcript NM_002691.4 (MANE Select); coding-DNA position 2197, C replaced by G.
Protein change: p.Gln733Glu; replaces glutamine 733 with glutamic acid.
Molecular consequence: missense variant. On other transcripts: non-coding transcript variant (1).
Genome position (GRCh38, 1-based): chr19:50,413,468, C>G. VCF-style: chr19-50413468-C-G. GRCh37 (hg19) VCF-style: chr19-50916725-C-G.
Other names: c.2197C>G, p.Gln733Glu (NM_001256849.1); c.2275C>G, p.Gln759Glu (NM_001308632.1); c.2197C>G (NM_002691.2); short protein forms Q733E, Q759E.
Identifiers: ClinVar variation 573996 (VCV000573996.11), dbSNP rs1471359934, ClinGen allele CA406983615.